The following is an entry in ClinVar:

ClinVar aggregate classification (germline): Uncertain significance. Review status: criteria provided, multiple submitters, no conflicts (2 of 4 stars). 2 submissions from 2 submitters: Uncertain significance (2). Last evaluated 2023-02-14.

Allele frequency attached by ClinVar (database versions not stated): gnomAD exomes below 0.00001; gnomAD 0.00001.
gnomAD v4.1: 11 of 1,614,066 alleles (0.00068%); highest among the groups gnomAD compares: Non-Finnish European, 0.00093%; no homozygotes.

Submissions (2):

Ambry Genetics
Classification: Uncertain significance. Last evaluated: 2023-02-14. Review status: criteria provided, single submitter. Criteria: Ambry Variant Classification Scheme 2023. Collection method: clinical testing. Allele origin: germline.

GeneDx
Classification: Uncertain significance. Last evaluated: 2017-05-30. Review status: criteria provided, single submitter. Criteria: GeneDx Variant Classification (06012015). Collection method: clinical testing. Allele origin: germline. Affected: yes.
Comment: The L1239V variant in the DLC1 gene has not been reported previously as a pathogenic variant, nor as a benign variant, to our knowledge. The L1239V variant is not observed in large population cohorts (Lek et al., 2016; 1000 Genomes Consortium et al., 2015; Exome Variant Server). The L1239V variant is a conservative amino acid substitution, which is not likely to impact secondary protein structure as these residues share similar properties. This substitution occurs within the Rho-GAP domain at a position that is conserved across species. In silico analysis is inconsistent in its predictions as to whether or not the variant is damaging to the protein structure/function. We interpret L1239V as a variant of uncertain significance.

NM_182643.3(DLC1):c.3715C>G (p.Leu1239Val)

Gene: DLC1 (DLC1 Rho GTPase activating protein; minus strand). Cytogenetic location: 8p22.
Variant type: single nucleotide variant.
Coding change: c.3715C>G on transcript NM_182643.3 (MANE Select); coding-DNA position 3715, C replaced by G.
Protein change: p.Leu1239Val; replaces leucine 1239 with valine.
Molecular consequence: missense variant.
Genome position (GRCh38, 1-based): chr8:13,092,637, G>C on the plus strand (C>G on the coding strand, the complement: DLC1 is on the minus strand). VCF-style: chr8-13092637-G-C. GRCh37 (hg19) VCF-style: chr8-12950146-G-C.
Other names: c.2182C>G, p.Leu728Val (NM_001164271.2, NM_001348082.2, NM_001348083.1 and 1 more transcripts); c.2506C>G, p.Leu836Val (NM_001316668.2); c.3715C>G, p.Leu1239Val (NM_001348081.2); c.2404C>G, p.Leu802Val (NM_006094.5); short protein forms L1239V, L728V, L836V, L802V.
Identifiers: ClinVar variation 430555 (VCV000430555.4), dbSNP rs762299647, ClinGen allele CA172186346.